The following is an entry in ClinVar:

NM_000540.3(RYR1):c.7823T>G (p.Met2608Arg)

Gene: RYR1 (ryanodine receptor 1; plus strand). Cytogenetic location: 19q13.2.
Variant type: single nucleotide variant.
Coding change: c.7823T>G on transcript NM_000540.3 (MANE Select); coding-DNA position 7823, T replaced by G.
Protein change: p.Met2608Arg; replaces methionine 2608 with arginine.
Molecular consequence: missense variant.
Genome position (GRCh38, 1-based): chr19:38,502,715, T>G. VCF-style: chr19-38502715-T-G. GRCh37 (hg19) VCF-style: chr19-38993355-T-G.
Other names: c.7823T>G, p.Met2608Arg (NM_001042723.2); short protein forms M2608R.
Identifiers: ClinVar variation 2978581 (VCV002978581.3), dbSNP rs1383973780, ClinGen allele CA405673006.

ClinVar aggregate classification (germline): Uncertain significance (1 of 4 stars; one submission).

Conditions:
RYR1-related disorder. Also called: RYR1-related condition; RYR1-related disorders. Identifiers: MedGen CN239331.

gnomAD v4.1: 1 of 1,505,452 alleles (0.000066%); highest among the groups gnomAD compares: Non-Finnish European, 0.000089%; no homozygotes.

Submission:

Labcorp Genetics (formerly Invitae), Labcorp
Classification: Uncertain significance for RYR1-related disorder. Last evaluated: 2024-03-04. Review status: criteria provided, single submitter. Criteria: Invitae Variant Classification Sherloc (09022015). Collection method: clinical testing. Allele origin: germline.
Comment: This sequence change replaces methionine, which is neutral and non-polar, with arginine, which is basic and polar, at codon 2608 of the RYR1 protein (p.Met2608Arg). This variant is not present in population databases (gnomAD no frequency). This variant has not been reported in the literature in individuals affected with RYR1-related conditions. Advanced modeling of protein sequence and biophysical properties (such as structural, functional, and spatial information, amino acid conservation, physicochemical variation, residue mobility, and thermodynamic stability) performed at Invitae indicates that this missense variant is not expected to disrupt RYR1 protein function with a negative predictive value of 95%. Algorithms developed to predict the effect of sequence changes on RNA splicing suggest that this variant may create or strengthen a splice site. In summary, the available evidence is currently insufficient to determine the role of this variant in disease. Therefore, it has been classified as a Variant of Uncertain Significance.